The following is an entry in ClinVar:

NM_000085.5(CLCNKB):c.209C>A (p.Ala70Asp)

Genes: CLCNKB (chloride voltage-gated channel Kb; plus strand), LOC106501713 (CLCNKB recombination region; plus strand). Cytogenetic location: 1p36.13.
Variant type: single nucleotide variant.
Coding change: c.209C>A on transcript NM_000085.5 (MANE Select); coding-DNA position 209, C replaced by A.
Protein change: p.Ala70Asp; replaces alanine 70 with aspartic acid.
Molecular consequence: missense variant.
Genome position (GRCh38, 1-based): chr1:16,045,666, C>A. VCF-style: chr1-16045666-C-A. GRCh37 (hg19) VCF-style: chr1-16372161-C-A.
Other names: short protein forms A70D.
Identifiers: ClinVar variation 2585401 (VCV002585401.2), dbSNP rs757241954, ClinGen allele CA623209.

ClinVar aggregate classification (germline): Uncertain significance. Review status: criteria provided, multiple submitters, no conflicts (2 of 4 stars). 2 submissions from 2 submitters: Uncertain significance (2). Last evaluated 2024-05-22.

Conditions:
Bartter disease type 3. Also called: Bartter syndrome type 3. Identifiers: Orphanet 112, Orphanet 93605, MedGen C1846343, MONDO:0011822, OMIM 607364.
Bartter disease type 4B. Also called: BARTTER SYNDROME, TYPE 4B; Bartter syndrome, type 4b, digenic; BARTTER SYNDROME, TYPE 4B, NEONATAL, WITH SENSORINEURAL DEAFNESS. Identifiers: Orphanet 112, MedGen C4310805, MONDO:0000909, OMIM 613090.

Allele frequency attached by ClinVar (database versions not stated): ExAC 0.00001.
gnomAD v4.1: 2 of 1,613,074 alleles (0.00012%); highest among the groups gnomAD compares: South Asian, 0.0011%; no homozygotes.

Submissions (2):

Fulgent Genetics
Classification: Uncertain significance for Bartter disease type 3; Bartter disease type 4B. Last evaluated: 2024-05-22. Review status: criteria provided, single submitter. Criteria: ACMG Guidelines, 2015. Collection method: clinical testing. Allele origin: germline.

Neuberg Centre For Genomic Medicine, NCGM
Classification: Uncertain significance for Bartter disease type 3. Review status: criteria provided, single submitter. Criteria: ACMG Guidelines, 2015. Collection method: clinical testing. Allele origin: germline. Inheritance: Autosomal recessive inheritance. Affected: yes.
Comment: The variant c.209C>A (p.Ala70Asp) in CLCNKB gene has not been reported previously as a pathogenic variant nor as a benign variant, to our knowledge. The p.Ala70Asp variant is novel (not in any individuals) in 1000 Genomes and has a frequency of 0.0004% in gnomAD exomes database. The amino acid Ala at position 70 is changed to a Asp changing protein sequence and it might alter its composition and physico-chemical properties. The variant is predicted to be damaging by SIFT and the residue is variable across species. The amino acid change p.Ala70Asp in CLCNKB is predicted as conserved by PhyloP across 100 vertebrates. For these reasons, this variant has been classified as Uncertain Significance.